The following is an entry in ClinVar:

NM_000108.5(DLD):c.869A>G (p.Asp290Gly)

Gene: DLD (dihydrolipoamide dehydrogenase; plus strand). Cytogenetic location: 7q31.1.
Variant type: single nucleotide variant.
Coding change: c.869A>G on transcript NM_000108.5 (MANE Select); coding-DNA position 869, A replaced by G.
Protein change: p.Asp290Gly; replaces aspartic acid 290 with glycine.
Molecular consequence: missense variant.
Genome position (GRCh38, 1-based): chr7:107,915,690, A>G. VCF-style: chr7-107915690-A-G. GRCh37 (hg19) VCF-style: chr7-107556135-A-G.
Other names: p.D290G:GAT>GGT; p.Asp290Gly; c.572A>G, p.Asp191Gly (NM_001289750.1); c.800A>G, p.Asp267Gly (NM_001289751.1); c.725A>G, p.Asp242Gly (NM_001289752.1); short protein forms D290G, D267G, D242G, D191G.
Identifiers: ClinVar variation 203671 (VCV000203671.8), dbSNP rs143555186, ClinGen allele CA312446.

ClinVar aggregate classification (germline): Conflicting classifications of pathogenicity. Review status: criteria provided, conflicting classifications (1 of 4 stars). 3 submissions from 3 submitters: Uncertain significance (1); Likely benign (2). Last evaluated 2025-11-24.

Conditions:
Pyruvate dehydrogenase E3 deficiency (DLDD). Also called: Dihydrolipoamide Dehydrogenase E3 Deficiency; Lipoamide dehydrogenase deficiency, lactic acidosis due to; DLD DEFICIENCY; E3 DEFICIENCY; Dihydrolipoamide Dehydrogenase (E3) Deficiency; Dihydrolipoamide Dehydrogenase Deficiency. Identifiers: Orphanet 2394, Orphanet 765, MedGen C5574660, MONDO:0009529, OMIM 246900.

Allele frequency attached by ClinVar (database versions not stated): gnomAD exomes 0.00001 and 0.00002; ExAC 0.00002; gnomAD 0.00003 and 0.00004; TOPMed 0.00005; ESP Exome Variant Server 0.00015.
gnomAD v4.1: 14 of 1,613,194 alleles (0.00087%); highest among the groups gnomAD compares: African/African-American, 0.015%; no homozygotes.

Submissions (3):

Labcorp Genetics (formerly Invitae), Labcorp
Classification: Likely benign for Pyruvate dehydrogenase E3 deficiency. Last evaluated: 2025-11-24. Review status: criteria provided, single submitter. Criteria: Invitae Variant Classification Sherloc (09022015). Collection method: clinical testing. Allele origin: germline.

Mayo Clinic Laboratories, Mayo Clinic
Classification: Uncertain significance. Last evaluated: 2024-01-19. Review status: criteria provided, single submitter. Criteria: ACMG Guidelines, 2015. Collection method: clinical testing. Allele origin: germline. Observed: 1 variant allele.

GeneDx
Classification: Likely benign. Last evaluated: 2013-02-14. Review status: criteria provided, single submitter. Criteria: GeneDx Variant Classification (06012015). Collection method: clinical testing. Allele origin: germline. Affected: yes.
Comment: This variant is considered likely benign or benign based on one or more of the following criteria: it is a conservative change, it occurs at a poorly conserved position in the protein, it is predicted to be benign by multiple in silico algorithms, and/or has population frequency not consistent with disease.